The following is an entry in ClinVar:

NM_000430.4(PAFAH1B1):c.991C>A (p.Leu331Ile)

Gene: PAFAH1B1 (platelet activating factor acetylhydrolase 1b regulatory subunit 1; plus strand). Cytogenetic location: 17p13.3.
Variant type: single nucleotide variant.
Coding change: c.991C>A on transcript NM_000430.4 (MANE Select); coding-DNA position 991, C replaced by A.
Protein change: p.Leu331Ile; replaces leucine 331 with isoleucine.
Molecular consequence: missense variant.
Genome position (GRCh38, 1-based): chr17:2,676,595, C>A. VCF-style: chr17-2676595-C-A. GRCh37 (hg19) VCF-style: chr17-2579889-C-A.
Other names: short protein forms L331I.
Identifiers: ClinVar variation 1409970 (VCV001409970.8), dbSNP rs138622703, ClinGen allele CA8283292.

ClinVar aggregate classification (germline): Uncertain significance (1 of 4 stars; one submission).

Allele frequency attached by ClinVar (database versions not stated): TOPMed below 0.00001; gnomAD 0.00001 and 0.00004; ExAC 0.00005; gnomAD exomes 0.00007; ESP Exome Variant Server 0.00008; 1000 Genomes Project 30x 0.00031; 1000 Genomes Project 0.00040.
gnomAD v4.1: 47 of 1,598,422 alleles (0.0029%); highest among the groups gnomAD compares: South Asian, 0.05%; 1 homozygote.

Submission:

Labcorp Genetics (formerly Invitae), Labcorp
Classification: Uncertain significance. Last evaluated: 2024-12-28. Review status: criteria provided, single submitter. Criteria: Invitae Variant Classification Sherloc (09022015). Collection method: clinical testing. Allele origin: germline.
Comment: This sequence change replaces leucine, which is neutral and non-polar, with isoleucine, which is neutral and non-polar, at codon 331 of the PAFAH1B1 protein (p.Leu331Ile). This variant is present in population databases (rs138622703, gnomAD 0.05%), and has an allele count higher than expected for a pathogenic variant. This variant has not been reported in the literature in individuals affected with PAFAH1B1-related conditions. ClinVar contains an entry for this variant (Variation ID: 1409970). An algorithm developed to predict the effect of missense changes on protein structure and function (PolyPhen-2) suggests that this variant is likely to be tolerated. In summary, the available evidence is currently insufficient to determine the role of this variant in disease. Therefore, it has been classified as a Variant of Uncertain Significance.